The following is an entry in ClinVar:

ClinVar aggregate classification (germline): Uncertain significance (1 of 4 stars; one submission).

Submission:

GeneDx
Classification: Uncertain significance. Last evaluated: 2024-07-29. Review status: criteria provided, single submitter. Criteria: GeneDx Variant Classification Process June 2021. Collection method: clinical testing. Allele origin: germline. Affected: yes.
Comment: Not observed at significant frequency in large population cohorts (gnomAD); In silico analysis supports that this missense variant has a deleterious effect on protein structure/function; Has not been previously published as pathogenic or benign to our knowledge

NM_004815.4(ARHGAP29):c.2549T>A (p.Leu850His)

Gene: ARHGAP29 (Rho GTPase activating protein 29; minus strand). Cytogenetic location: 1p22.1.
Variant type: single nucleotide variant.
Coding change: c.2549T>A on transcript NM_004815.4 (MANE Select); coding-DNA position 2549, T replaced by A.
Protein change: p.Leu850His; replaces leucine 850 with histidine.
Molecular consequence: missense variant.
Genome position (GRCh38, 1-based): chr1:94,178,099, A>T on the plus strand (T>A on the coding strand, the complement: ARHGAP29 is on the minus strand). VCF-style: chr1-94178099-A-T. GRCh37 (hg19) VCF-style: chr1-94643655-A-T.
Other names: c.2549T>A, p.Leu850His (NM_001328664.2); c.2357T>A, p.Leu786His (NM_001328665.2, NM_001328667.2); c.2522T>A, p.Leu841His (NM_001328666.2); short protein forms L786H, L841H, L850H.
Identifiers: ClinVar variation 3602463 (VCV003602463.1).